The following is an entry in ClinVar:

ClinVar aggregate classification (germline): Pathogenic (1 of 4 stars; one submission).

Conditions:
Mucopolysaccharidosis, MPS-II (MPS2). Also called: Hunter Syndrome; IDURONATE 2-SULFATASE DEFICIENCY; Mucopolysaccharidosis Type II; Mucopolysaccharidosis type 2; Attenuated MPS (subtype; formerly known as mild MPS II); Severe MPS II. Identifiers: Orphanet 580, Orphanet 79388, MedGen C0026705, MONDO:0010674, OMIM 309900.

Submission:

Laboratory of Diagnosis and Therapy of Lysosomal Disorders, University of Padova
Classification: Pathogenic for Mucopolysaccharidosis, MPS-II. Last evaluated: 2024-06-07. Review status: criteria provided, single submitter. Criteria: ACMG Guidelines, 2015. Collection method: literature only. Allele origin: germline. Affected: yes. Observed: 1 variant allele.
Comment: Null variant (PVS1_VeryStrong), Absent from controls (or at low frequency) in gnomAD database (PM2_Moderate), Patient’s phenotype or family history highly specific for the disease (PP4_Moderate)

Classification method: ACMG Guidelines [PMID:25741868] with modifications

Literature cited by the submitters: PubMed 12655569; PubMed 21291454.

NM_000202.8(IDS):c.21_22insG (p.Arg8fs)

Genes: IDS (iduronate 2-sulfatase; minus strand), LOC130068781 (ATAC-STARR-seq lymphoblastoid active region 30015; plus strand). Cytogenetic location: Xq28.
Variant type: Insertion.
Coding change: c.21_22insG on transcript NM_000202.8 (MANE Select); coding-DNA positions 21 to 22, G inserted.
Protein change: p.Arg8fs; shifts the reading frame from arginine 8.
Molecular consequence: frameshift variant. On other transcripts: 5 prime UTR variant (1), non-coding transcript variant (1).
Genome position: GRCh38 VCF-style: chrX-149505116-G-GC. GRCh37 (hg19) VCF-style: chrX-148586646-G-GC.
Other names: c.-206_-205insG (NM_001166550.4); c.21_22insG, p.Arg8fs (NM_006123.5); short protein forms R8fs.
Identifiers: ClinVar variation 3255847 (VCV003255847.2).
Genomic context (GRCh38, chrX:149,505,116, plus strand): 5'-TTTCGGATCCGAGGGCGACGCAGACGGAGCTCAGAACCAGACCCAGCCAGAGAAGGCCTC[G>GC]GCCGGTCCGGGGTGGCGGCATTTCGGCTTCGACGCGGCCGCTTCAGAGCGGCGGGGACAG-3'